The following is an entry in ClinVar:

NM_001367805.3(KIF23):c.2143G>A (p.Gly715Ser)

Gene: KIF23 (kinesin family member 23; plus strand). Cytogenetic location: 15q23.
Variant type: single nucleotide variant.
Coding change: c.2143G>A on transcript NM_001367805.3 (MANE Select); coding-DNA position 2143, G replaced by A.
Protein change: p.Gly715Ser; replaces glycine 715 with serine.
Molecular consequence: missense variant. On other transcripts: non-coding transcript variant (1), intron variant (1).
Genome position (GRCh38, 1-based): chr15:69,440,801, G>A. VCF-style: chr15-69440801-G-A. GRCh37 (hg19) VCF-style: chr15-69733140-G-A.
Other names: c.2067+314G>A (NM_004856.7); c.1771G>A, p.Gly591Ser (NM_001281301.2); c.2101G>A, p.Gly701Ser (NM_001367804.2, NM_138555.4); short protein forms G591S, G715S, G701S.
Identifiers: ClinVar variation 2914617 (VCV002914617.22), dbSNP rs372828681, ClinGen allele CA7635337.

ClinVar aggregate classification (germline): Conflicting classifications of pathogenicity. Review status: criteria provided, conflicting classifications (1 of 4 stars). 2 submissions from 2 submitters: Uncertain significance (1); Likely benign (1). Last evaluated 2025-03-19.

Allele frequency attached by ClinVar (database versions not stated): ESP Exome Variant Server 0.00015.
gnomAD v4.1: 77 of 1,611,498 alleles (0.0048%); highest among the groups gnomAD compares: African/African-American, 0.0093%; no homozygotes.

Submissions (2):

Labcorp Genetics (formerly Invitae), Labcorp
Classification: Uncertain significance. Last evaluated: 2025-03-19. Review status: criteria provided, single submitter. Criteria: Invitae Variant Classification Sherloc (09022015). Collection method: clinical testing. Allele origin: germline.
Comment: This sequence change replaces glycine, which is neutral and non-polar, with serine, which is neutral and polar, at codon 701 of the KIF23 protein (p.Gly701Ser). This variant is present in population databases (rs372828681, gnomAD 0.01%). This variant has not been reported in the literature in individuals affected with KIF23-related conditions. ClinVar contains an entry for this variant (Variation ID: 2914617). An algorithm developed to predict the effect of missense changes on protein structure and function outputs the following: PolyPhen-2: "Benign". The serine amino acid residue is found in multiple mammalian species, which suggests that this missense change does not adversely affect protein function. In summary, the available evidence is currently insufficient to determine the role of this variant in disease. Therefore, it has been classified as a Variant of Uncertain Significance.

CeGaT Center for Human Genetics Tuebingen
Classification: Likely benign. Last evaluated: 2024-05-01. Review status: criteria provided, single submitter. Criteria: CeGaT Center For Human Genetics Tuebingen Variant Classification Criteria Version 2. Collection method: clinical testing. Allele origin: germline. Affected: yes. Observed: 1 variant allele.
Comment: KIF23: BP4